The following is an entry in ClinVar:

ClinVar aggregate classification (germline): Uncertain significance (1 of 4 stars; one submission).

Conditions:
Nemaline myopathy 7 (NEM7). Also called: Nemaline myopathy 7, autosomal recessive. Identifiers: Orphanet 171436, MedGen C1853154, MONDO:0012538, OMIM 610687.

Allele frequency attached by ClinVar (database versions not stated): gnomAD exomes below 0.00001.
gnomAD v4.1: 2 of 1,611,370 alleles (0.00012%); highest among the groups gnomAD compares: Non-Finnish European, 0.00017%; no homozygotes.

Submission:

Labcorp Genetics (formerly Invitae), Labcorp
Classification: Uncertain significance for Nemaline myopathy 7. Last evaluated: 2022-11-22. Review status: criteria provided, single submitter. Criteria: Invitae Variant Classification Sherloc (09022015). Collection method: clinical testing. Allele origin: germline.
Comment: In summary, the available evidence is currently insufficient to determine the role of this variant in disease. Therefore, it has been classified as a Variant of Uncertain Significance. Algorithms developed to predict the effect of missense changes on protein structure and function are either unavailable or do not agree on the potential impact of this missense change (SIFT: "Deleterious"; PolyPhen-2: "Benign"; Align-GVGD: "Class C25"). ClinVar contains an entry for this variant (Variation ID: 1422535). This variant has not been reported in the literature in individuals affected with CFL2-related conditions. This variant is not present in population databases (gnomAD no frequency). This sequence change replaces isoleucine, which is neutral and non-polar, with valine, which is neutral and non-polar, at codon 102 of the CFL2 protein (p.Ile102Val).

NM_138638.5(CFL2):c.304A>G (p.Ile102Val)

Gene: CFL2 (cofilin 2; minus strand). Cytogenetic location: 14q13.1.
Variant type: single nucleotide variant.
Coding change: c.304A>G on transcript NM_138638.5 (MANE Select); coding-DNA position 304, A replaced by G.
Protein change: p.Ile102Val; replaces isoleucine 102 with valine.
Molecular consequence: missense variant.
Genome position (GRCh38, 1-based): chr14:34,713,261, T>C on the plus strand (A>G on the coding strand, the complement: CFL2 is on the minus strand). VCF-style: chr14-34713261-T-C. GRCh37 (hg19) VCF-style: chr14-35182467-T-C.
Other names: c.253A>G, p.Ile85Val (NM_001243645.2); c.304A>G, p.Ile102Val (NM_021914.8); short protein forms I85V, I102V.
Identifiers: ClinVar variation 1422535 (VCV001422535.6), dbSNP rs2138474233, ClinGen allele CA389421508.